The following is an entry in ClinVar:

ClinVar aggregate classification (germline): Benign/Likely benign. Review status: criteria provided, multiple submitters, no conflicts (2 of 4 stars). 6 submissions from 6 submitters: Benign (2); Likely benign (3). 1 of the submissions does not count toward it. Last evaluated 2026-02-03.

Conditions:
IL17RC-related disorder. Also called: IL17RC-related condition.
Candidiasis, familial, 9 (CANDF9). Identifiers: Orphanet 1334, MedGen C4225324, MONDO:0014642, OMIM 616445.

Allele frequency attached by ClinVar (database versions not stated): 1000 Genomes Project 0.00399; 1000 Genomes Project 30x 0.00437; ESP Exome Variant Server 0.00606; gnomAD exomes 0.00630; ExAC 0.00653; TOPMed 0.00713; gnomAD 0.00750 and 0.00763.
gnomAD v4.1: 16,909 of 1,573,836 alleles (1.1%); highest among the groups gnomAD compares: Non-Finnish European, 1.3%; 118 homozygotes.

Submissions (29):

Labcorp Genetics (formerly Invitae), Labcorp
Classification: Benign for Candidiasis, familial, 9. Last evaluated: 2026-02-03. Review status: criteria provided, single submitter. Criteria: Invitae Variant Classification Sherloc (09022015). Collection method: clinical testing. Allele origin: germline.

CeGaT Center for Human Genetics Tuebingen
Classification: Benign. Last evaluated: 2025-12-01. Review status: criteria provided, single submitter. Criteria: CeGaT Center For Human Genetics Tuebingen Variant Classification Criteria Version 2. Collection method: clinical testing. Allele origin: germline. Affected: yes. Observed: 6 variant alleles.
Comment: IL17RC: BS1, BS2

Mayo Clinic Laboratories, Mayo Clinic
Classification: Likely benign. Last evaluated: 2024-11-28. Review status: criteria provided, single submitter. Criteria: ACMG Guidelines, 2015. Collection method: clinical testing. Allele origin: germline. Observed: 2 variant alleles.

Fulgent Genetics
Classification: Likely benign for Candidiasis, familial, 9. Last evaluated: 2022-04-12. Review status: criteria provided, single submitter. Criteria: ACMG Guidelines, 2015. Collection method: clinical testing. Allele origin: unknown.

Dubai Health Genomic Medicine Center, Dubai Health
Classification: Likely benign for Candidiasis, familial, 9. Last evaluated: 2020-10-06. Review status: criteria provided, single submitter. Criteria: ACMG Guidelines, 2015. Collection method: clinical testing. Allele origin: germline. Affected: yes.

PreventionGenetics, part of Exact Sciences
Classification: Benign for IL17RC-related condition. Last evaluated: 2019-07-03. Review status: no assertion criteria provided. Collection method: clinical testing. Allele origin: germline. Not counted in ClinVar's aggregate classification.
Comment: This variant is classified as benign based on ACMG/AMP sequence variant interpretation guidelines (Richards et al. 2015 PMID: 25741868, with internal and published modifications).

Dr. Peter K. Rogan Lab, Western University
No classification provided (evidence only). Condition: Lung cancer. Review status: no classification provided. Collection method: in vitro. Allele origin: not applicable. Functional consequence: skipped exon, retained intron. Not counted in ClinVar's aggregate classification.

Dr. Peter K. Rogan Lab, Western University
No classification provided (evidence only). Condition: Lung cancer. Review status: no classification provided. Collection method: in vitro. Allele origin: not applicable. Functional consequence: skipped exon. Not counted in ClinVar's aggregate classification.

Dr. Peter K. Rogan Lab, Western University
No classification provided (evidence only). Condition: Melanoma. Review status: no classification provided. Collection method: in vitro. Allele origin: not applicable. Functional consequence: skipped exon. Not counted in ClinVar's aggregate classification.

Dr. Peter K. Rogan Lab, Western University
No classification provided (evidence only). Condition: Melanoma. Review status: no classification provided. Collection method: in vitro. Allele origin: not applicable. Functional consequence: skipped exon, retained intron. Not counted in ClinVar's aggregate classification.

Dr. Peter K. Rogan Lab, Western University
No classification provided (evidence only). Condition: Melanoma. Review status: no classification provided. Collection method: in vitro. Allele origin: not applicable. Functional consequence: skipped exon, retained intron. Not counted in ClinVar's aggregate classification.

Dr. Peter K. Rogan Lab, Western University
No classification provided (evidence only). Condition: Thyroid cancer, nonmedullary, 1. Review status: no classification provided. Collection method: in vitro. Allele origin: not applicable. Functional consequence: retained intron. Not counted in ClinVar's aggregate classification.

Dr. Peter K. Rogan Lab, Western University
No classification provided (evidence only). Condition: Thyroid cancer, nonmedullary, 1. Review status: no classification provided. Collection method: in vitro. Allele origin: not applicable. Functional consequence: skipped exon. Not counted in ClinVar's aggregate classification.

Dr. Peter K. Rogan Lab, Western University
No classification provided (evidence only). Condition: Uterine corpus endometrial carcinoma. Review status: no classification provided. Collection method: in vitro. Allele origin: not applicable. Functional consequence: skipped exon. Not counted in ClinVar's aggregate classification.

Dr. Peter K. Rogan Lab, Western University
No classification provided (evidence only). Condition: Cervical cancer. Review status: no classification provided. Collection method: in vitro. Allele origin: not applicable. Functional consequence: skipped exon, retained intron. Not counted in ClinVar's aggregate classification.

Dr. Peter K. Rogan Lab, Western University
No classification provided (evidence only). Condition: Cervical cancer. Review status: no classification provided. Collection method: in vitro. Allele origin: not applicable. Functional consequence: retained intron. Not counted in ClinVar's aggregate classification.

Dr. Peter K. Rogan Lab, Western University
No classification provided (evidence only). Condition: Sarcoma. Review status: no classification provided. Collection method: in vitro. Allele origin: not applicable. Functional consequence: retained intron. Not counted in ClinVar's aggregate classification.

Dr. Peter K. Rogan Lab, Western University
No classification provided (evidence only). Condition: Sarcoma. Review status: no classification provided. Collection method: in vitro. Allele origin: not applicable. Functional consequence: skipped exon, retained intron. Not counted in ClinVar's aggregate classification.

Dr. Peter K. Rogan Lab, Western University
No classification provided (evidence only). Condition: Sarcoma. Review status: no classification provided. Collection method: in vitro. Allele origin: not applicable. Functional consequence: skipped exon, retained intron. Not counted in ClinVar's aggregate classification.

Dr. Peter K. Rogan Lab, Western University
No classification provided (evidence only). Condition: Sarcoma. Review status: no classification provided. Collection method: in vitro. Allele origin: not applicable. Functional consequence: retained intron. Not counted in ClinVar's aggregate classification.

Dr. Peter K. Rogan Lab, Western University
No classification provided (evidence only). Condition: Hepatocellular carcinoma. Review status: no classification provided. Collection method: in vitro. Allele origin: not applicable. Functional consequence: retained intron. Not counted in ClinVar's aggregate classification.

Dr. Peter K. Rogan Lab, Western University
No classification provided (evidence only). Condition: Ovarian serous cystadenocarcinoma. Review status: no classification provided. Collection method: in vitro. Allele origin: not applicable. Functional consequence: skipped exon, retained intron. Not counted in ClinVar's aggregate classification.

Dr. Peter K. Rogan Lab, Western University
No classification provided (evidence only). Condition: Ovarian serous cystadenocarcinoma. Review status: no classification provided. Collection method: in vitro. Allele origin: not applicable. Functional consequence: skipped exon. Not counted in ClinVar's aggregate classification.

Dr. Peter K. Rogan Lab, Western University
No classification provided (evidence only). Condition: Ovarian serous cystadenocarcinoma. Review status: no classification provided. Collection method: in vitro. Allele origin: not applicable. Functional consequence: retained intron. Not counted in ClinVar's aggregate classification.

Dr. Peter K. Rogan Lab, Western University
No classification provided (evidence only). Condition: Ovarian serous cystadenocarcinoma. Review status: no classification provided. Collection method: in vitro. Allele origin: not applicable. Functional consequence: skipped exon. Not counted in ClinVar's aggregate classification.

Dr. Peter K. Rogan Lab, Western University
No classification provided (evidence only). Condition: Adrenocortical carcinoma, hereditary. Review status: no classification provided. Collection method: in vitro. Allele origin: not applicable. Functional consequence: skipped exon, retained intron. Not counted in ClinVar's aggregate classification.

Dr. Peter K. Rogan Lab, Western University
No classification provided (evidence only). Condition: Uveal melanoma. Review status: no classification provided. Collection method: in vitro. Allele origin: not applicable. Functional consequence: retained intron. Not counted in ClinVar's aggregate classification.

Dr. Peter K. Rogan Lab, Western University
No classification provided (evidence only). Condition: Nonpapillary renal cell carcinoma. Review status: no classification provided. Collection method: in vitro. Allele origin: not applicable. Functional consequence: skipped exon, retained intron. Not counted in ClinVar's aggregate classification.

Dr. Peter K. Rogan Lab, Western University
No classification provided (evidence only). Condition: Nonpapillary renal cell carcinoma. Review status: no classification provided. Collection method: in vitro. Allele origin: not applicable. Functional consequence: skipped exon. Not counted in ClinVar's aggregate classification.

NM_153460.4(IL17RC):c.1522+1G>C

Genes: IL17RC (interleukin 17 receptor C; plus strand), LOC129936143 (ATAC-STARR-seq lymphoblastoid silent region 14050; plus strand). Cytogenetic location: 3p25.3.
Variant type: single nucleotide variant.
Coding change: c.1522+1G>C on transcript NM_153460.4 (MANE Select); the canonical splice donor site of the intron after coding-DNA position 1522, G replaced by C.
Molecular consequence: splice donor variant. On other transcripts: intron variant (6).
Genome position (GRCh38, 1-based): chr3:9,932,859, G>C. VCF-style: chr3-9932859-G-C. GRCh37 (hg19) VCF-style: chr3-9974543-G-C.
Other names: c.1735+1G>C (NM_153461.4); c.1484-94G>C (NM_001203263.2); c.1433-94G>C (NM_001203264.2); c.1445-94G>C (NM_001367278.1); c.1477+1G>C (NM_032732.6); c.1439-94G>C (NM_001367280.1); c.1426+1G>C (NM_001203265.2); c.1388-94G>C (NM_001410711.1); and 1 more.
Identifiers: ClinVar variation 542537 (VCV000542537.44), dbSNP rs148575246, ClinGen allele CA2247333.